The following is an entry in ClinVar:

ClinVar aggregate classification (germline): Uncertain significance (1 of 4 stars; one submission).

gnomAD v4.1: 3 of 1,509,920 alleles (0.0002%); highest among the groups gnomAD compares: Non-Finnish European, 0.00027%; no homozygotes.

Submission:

Ambry Genetics
Classification: Uncertain significance. Last evaluated: 2025-10-29. Review status: criteria provided, single submitter. Criteria: Ambry Variant Classification Scheme 2023. Collection method: clinical testing. Allele origin: germline.
Comment: The c.2204A>C (p.K735T) alteration is located in exon (coding exon ) of the SH3RF3 gene. This alteration results from a A to C substitution at nucleotide position 2204, causing the lysine (K) at amino acid position 735 to be replaced by a threonine (T). Based on insufficient or conflicting evidence, the clinical significance of this alteration remains unclear.

NM_001099289.3(SH3RF3):c.2204A>C (p.Lys735Thr)

Genes: RANBP2 (RAN binding protein 2; plus strand), SH3RF3 (SH3 domain containing ring finger 3; plus strand). Cytogenetic location: 2q13.
Variant type: single nucleotide variant.
Coding change: c.2204A>C on transcript NM_001099289.3 (MANE Select); coding-DNA position 2204, A replaced by C.
Protein change: p.Lys735Thr; replaces lysine 735 with threonine.
Molecular consequence: missense variant.
Genome position (GRCh38, 1-based): chr2:109,490,660, A>C. VCF-style: chr2-109490660-A-C. GRCh37 (hg19) VCF-style: chr2-110107116-A-C.
Other names: short protein forms K735T.
Identifiers: ClinVar variation 4583336 (VCV004583336.1).